The following is an entry in ClinVar:

ClinVar aggregate classification (germline): Pathogenic (1 of 4 stars; one submission).

Conditions:
Neurofibromatosis, type 1 (NF1). Also called: Neurofibromatosis, type I; VON RECKLINGHAUSEN DISEASE; NEUROFIBROMATOSIS, TYPE I, SOMATIC; Peripheral type neurofibromatosis. Identifiers: Orphanet 636, MedGen C0027831, MONDO:0018975, OMIM 162200. Disease mechanism: loss of function.

Submission:

Labcorp Genetics (formerly Invitae), Labcorp
Classification: Pathogenic for Neurofibromatosis, type 1. Last evaluated: 2023-01-29. Review status: criteria provided, single submitter. Criteria: Invitae Variant Classification Sherloc (09022015). Collection method: clinical testing. Allele origin: germline.
Comment: For these reasons, this variant has been classified as Pathogenic. ClinVar contains an entry for this variant (Variation ID: 1454574). This premature translational stop signal has been observed in individual(s) with clinical features of neurofibromatosis type 1 (PMID: 28955729). This variant is not present in population databases (gnomAD no frequency). This sequence change creates a premature translational stop signal (p.Ser1150*) in the NF1 gene. It is expected to result in an absent or disrupted protein product. Loss-of-function variants in NF1 are known to be pathogenic (PMID: 10712197, 23913538).

Literature cited by the submitters: PubMed 28955729; PubMed 10712197; PubMed 23913538.

NM_001042492.3(NF1):c.3449C>A (p.Ser1150Ter)

Gene: NF1 (neurofibromin 1; plus strand). Cytogenetic location: 17q11.2.
Variant type: single nucleotide variant.
Coding change: c.3449C>A on transcript NM_001042492.3 (MANE Select); coding-DNA position 3449, C replaced by A.
Protein change: p.Ser1150Ter; replaces serine 1150 with a stop codon.
Molecular consequence: nonsense.
Genome position (GRCh38, 1-based): chr17:31,232,834, C>A. VCF-style: chr17-31232834-C-A. GRCh37 (hg19) VCF-style: chr17-29559852-C-A.
Other names: c.3449C>A, p.Ser1150Ter (NM_000267.4); short protein forms S1150*.
Identifiers: ClinVar variation 1454574 (VCV001454574.8), dbSNP rs1555614972, ClinGen allele CA398989315.